The following is an entry in ClinVar:

ClinVar aggregate classification (germline): Conflicting classifications of pathogenicity. Review status: criteria provided, conflicting classifications (1 of 4 stars). 4 submissions from 4 submitters: Uncertain significance (3); Likely benign (1). Last evaluated 2025-09-13.

Conditions:
Cardiovascular phenotype. Identifiers: MedGen CN230736.
Arrhythmogenic right ventricular dysplasia 2. Identifiers: MedGen C1832931.
Ventricular arrhythmias due to cardiac ryanodine receptor calcium release deficiency syndrome. Also called: Autosomal dominant cardiac arrhythmia (Kuhn). Identifiers: MedGen C5542154, MONDO:0020745, OMIM 115000.
Catecholaminergic polymorphic ventricular tachycardia 1. Also called: VENTRICULAR TACHYCARDIA, CATECHOLAMINERGIC POLYMORPHIC, 1, WITH OR WITHOUT ATRIAL DYSFUNCTION AND/OR DILATED CARDIOMYOPATHY; RYR2-Related Catecholaminergic Polymorphic Ventricular Tachycardia; VENTRICULAR TACHYCARDIA, STRESS-INDUCED POLYMORPHIC 1. Identifiers: Orphanet 3286, MedGen C1631597, MONDO:0011484, OMIM 604772.
Cardiomyopathy (CMYO). Also called: Cardiomyopathies. Identifiers: Orphanet 167848, MedGen C0878544, MONDO:0004994, HP:0001638. Inheritance: Various modes of inheritance.

Allele frequency attached by ClinVar (database versions not stated): gnomAD exomes 0.00001 and 0.00002; TOPMed 0.00002; gnomAD 0.00006.
gnomAD v4.1: 21 of 1,443,398 alleles (0.0015%); highest among the groups gnomAD compares: African/African-American, 0.0029%; no homozygotes.

Submissions (4):

Labcorp Genetics (formerly Invitae), Labcorp
Classification: Likely benign for Catecholaminergic polymorphic ventricular tachycardia 1. Last evaluated: 2025-09-13. Review status: criteria provided, single submitter. Criteria: Invitae Variant Classification Sherloc (09022015). Collection method: clinical testing. Allele origin: germline.

Ambry Genetics
Classification: Uncertain significance for Cardiovascular phenotype. Last evaluated: 2024-04-25. Review status: criteria provided, single submitter. Criteria: Ambry Variant Classification Scheme 2023. Collection method: clinical testing. Allele origin: germline.
Comment: The p.R2806C variant (also known as c.8416C>T), located in coding exon 56 of the RYR2 gene, results from a C to T substitution at nucleotide position 8416. The arginine at codon 2806 is replaced by cysteine, an amino acid with highly dissimilar properties. This amino acid position is highly conserved in available vertebrate species. In addition, the in silico prediction for this alteration is inconclusive. Since supporting evidence is limited at this time, the clinical significance of this alteration remains unclear.

Color Diagnostics, LLC DBA Color Health
Classification: Uncertain significance for Cardiomyopathy. Last evaluated: 2023-11-29. Review status: criteria provided, single submitter. Criteria: ACMG Guidelines, 2015. Collection method: clinical testing. Allele origin: germline.
Comment: This missense variant replaces arginine with cysteine at codon 2806 of the RYR2 protein. Computational prediction is inconclusive regarding the impact of this variant on protein structure and function. To our knowledge, functional studies have not been reported for this variant. This variant has not been reported in individuals affected with RYR2-related disorders in the literature. This variant has been identified in 4/148284 chromosomes in the general population by the Genome Aggregation Database (gnomAD). The available evidence is insufficient to determine the role of this variant in disease conclusively. Therefore, this variant is classified as a Variant of Uncertain Significance.

Fulgent Genetics
Classification: Uncertain significance for Ventricular arrhythmias due to cardiac ryanodine receptor calcium release deficiency syndrome; Catecholaminergic polymorphic ventricular tachycardia 1. Last evaluated: 2021-07-02. Review status: criteria provided, single submitter. Criteria: ACMG Guidelines, 2015. Collection method: clinical testing. Allele origin: unknown.

NM_001035.3(RYR2):c.8416C>T (p.Arg2806Cys)

Gene: RYR2 (ryanodine receptor 2; plus strand). Cytogenetic location: 1q43.
Variant type: single nucleotide variant.
Coding change: c.8416C>T on transcript NM_001035.3 (MANE Select); coding-DNA position 8416, C replaced by T.
Protein change: p.Arg2806Cys; replaces arginine 2806 with cysteine.
Molecular consequence: missense variant.
Genome position (GRCh38, 1-based): chr1:237,660,927, C>T. VCF-style: chr1-237660927-C-T. GRCh37 (hg19) VCF-style: chr1-237824227-C-T.
Other names: c.8416C>T, p.Arg2806Cys (LRG_402t1); short protein forms R2806C.
Identifiers: ClinVar variation 404181 (VCV000404181.16), dbSNP rs727504134, ClinGen allele CA16610006.